The following is an entry in ClinVar:

NM_001267550.2(TTN):c.1069del (p.Ala357fs)

Gene: TTN (titin; minus strand). Cytogenetic location: 2q31.2.
Variant type: Deletion.
Coding change: c.1069del on transcript NM_001267550.2 (MANE Select); coding-DNA position 1069, one base deleted (G; older notation c.1069delG).
Protein change: p.Ala357fs; shifts the reading frame from alanine 357.
Molecular consequence: frameshift variant.
Genome position (GRCh38, 1-based): chr2:178,795,098, C deleted on the plus strand (G on the coding strand, the reverse complement: TTN is on the minus strand); the first of 2 consecutive C bases (chr2:178,795,098-178,795,099); deleting either gives the same sequence. VCF-style (leftmost placement, unchanged base first): chr2-178795097-GC-G. GRCh37 (hg19) VCF-style: chr2-179659824-GC-G.
Other names: c.1069del, p.Ala357fs (NM_001256850.1, NM_003319.4, NM_133378.4 and 3 more transcripts); short protein forms A357fs.
Identifiers: ClinVar variation 1376247 (VCV001376247.8), dbSNP rs2154356210, ClinGen allele CA2573134006.

ClinVar aggregate classification (germline): Conflicting classifications of pathogenicity. Review status: criteria provided, conflicting classifications (1 of 4 stars). 2 submissions from 2 submitters: Likely pathogenic (1); Uncertain significance (1). Last evaluated 2024-10-17.

Conditions:
Dilated cardiomyopathy 1G (CMD1G). Identifiers: Orphanet 154, MedGen C1858763, MONDO:0011400, OMIM 604145.
Autosomal recessive limb-girdle muscular dystrophy type 2J (LGMDR10). Also called: MUSCULAR DYSTROPHY, LIMB-GIRDLE, AUTOSOMAL RECESSIVE 10; Limb-girdle muscular dystrophy, type 2J. Identifiers: Orphanet 140922, MedGen C1837342, MONDO:0012127, OMIM 608807.

Submissions (2):

Labcorp Genetics (formerly Invitae), Labcorp
Classification: Likely pathogenic for Dilated cardiomyopathy 1G; Autosomal recessive limb-girdle muscular dystrophy type 2J. Last evaluated: 2024-10-17. Review status: criteria provided, single submitter. Criteria: Invitae Variant Classification Sherloc (09022015). Collection method: clinical testing. Allele origin: germline.
Comment: This sequence change creates a premature translational stop signal (p.Ala357Leufs*3) in the TTN gene. While this is not anticipated to result in nonsense mediated decay, it is expected to create a truncated TTN protein. This variant is not present in population databases (gnomAD no frequency). This premature translational stop signal has been observed in individual(s) with clinical features of autosomal recessive TTN-related conditions (internal data). ClinVar contains an entry for this variant (Variation ID: 1376247). This variant is located in the Z band of TTN (PMID: 25589632). Truncating variants in this region have been reported in individuals affected with autosomal recessive centronuclear myopathy (PMID: 33449170, internal data). Truncating variants in this region have also been identified in individuals affected with autosomal dominant dilated cardiomyopathy and/or cardio-related conditions (PMID: 27869827, 32964742, internal data). In summary, the currently available evidence indicates that the variant is pathogenic, but additional data are needed to prove that conclusively. Therefore, this variant has been classified as Likely Pathogenic.

Revvity Omics, Revvity
Classification: Uncertain significance. Last evaluated: 2022-05-25. Review status: criteria provided, single submitter. Criteria: ACMG Guidelines, 2015. Collection method: clinical testing. Allele origin: germline.

Literature cited by the submitters: PubMed 25589632 (cited by Labcorp Genetics (formerly Invitae), Labcorp); PubMed 33449170 (cited by Labcorp Genetics (formerly Invitae), Labcorp); PubMed 27869827 (cited by Labcorp Genetics (formerly Invitae), Labcorp); PubMed 32964742 (cited by Labcorp Genetics (formerly Invitae), Labcorp).